The following is an entry in ClinVar:

ClinVar aggregate classification (germline): Conflicting classifications of pathogenicity. Review status: criteria provided, conflicting classifications (1 of 4 stars). 4 submissions from 4 submitters: Pathogenic (1); Likely pathogenic (1); Uncertain significance (1). 1 of the submissions does not count toward it. Last evaluated 2026-03-25.

Conditions:
Cardiovascular phenotype. Identifiers: MedGen CN230736.
Familial long QT syndrome (RWS). Also called: Congenital long QT syndrome; Romano-Ward syndrome; VENTRICULAR FIBRILLATION WITH PROLONGED QT INTERVAL. Identifiers: Orphanet 768, MedGen C1141890, MONDO:0019171.
Long QT syndrome (LQTS). Identifiers: MedGen C0023976, MeSH D008133, MONDO:0002442. Disease mechanism: loss of function. Inheritance: Various modes of inheritance.

Submissions (4):

Ambry Genetics
Classification: Likely pathogenic for Cardiovascular phenotype. Last evaluated: 2026-03-25. Review status: criteria provided, single submitter. Criteria: Ambry Variant Classification Scheme 2023. Collection method: clinical testing. Allele origin: germline.
Comment: The p.I268S variant (also known as c.803T>G), located in coding exon 6 of the KCNQ1 gene, results from a T to G substitution at nucleotide position 803. The isoleucine at codon 268 is replaced by serine, an amino acid with dissimilar properties. This variant was reported in individual(s) with features consistent with long QT syndrome (Kapplinger JD et al. Heart Rhythm, 2009 Sep;6:1297-303; Ambry internal data; external communication). This amino acid position is highly conserved in available vertebrate species. In addition, this alteration is predicted to be deleterious by in silico analysis. This variant is considered to be rare based on population cohorts in the Genome Aggregation Database (gnomAD). Based on the majority of available evidence to date, this variant is likely to be pathogenic.

Labcorp Genetics (formerly Invitae), Labcorp
Classification: Pathogenic for Long QT syndrome. Last evaluated: 2026-01-06. Review status: criteria provided, single submitter. Criteria: Invitae Variant Classification Sherloc (09022015). Collection method: clinical testing. Allele origin: germline.
Comment: This sequence change replaces isoleucine, which is neutral and non-polar, with serine, which is neutral and polar, at codon 268 of the KCNQ1 protein (p.Ile268Ser). This variant is not present in population databases (gnomAD no frequency). This missense change has been observed in individuals with prolonged QTc (PMID: 19716085; internal data). ClinVar contains an entry for this variant (Variation ID: 67107). Invitae Evidence Modeling of protein sequence and biophysical properties (such as structural, functional, and spatial information, amino acid conservation, physicochemical variation, residue mobility, and thermodynamic stability) indicates that this missense variant is expected to disrupt KCNQ1 protein function with a positive predictive value of 95%. For these reasons, this variant has been classified as Pathogenic.

GeneDx
Classification: Uncertain significance. Last evaluated: 2017-01-16. Review status: criteria provided, single submitter. Criteria: GeneDx Variant Classification (06012015). Collection method: clinical testing. Allele origin: germline. Affected: yes.
Comment: A variant of uncertain significance has been identified in the KCNQ1 gene. The I268S variant has previously been reported in association with LQTS (Kapplinger et al., 2009). This variant was not observed in approximately 6,500 individuals of European and African American ancestry in the NHLBI Exome Sequencing Project, indicating it is not a common benign variant in these populations. The I268S variant is a non-conservative amino acid substitution, which is likely to impact secondary protein structure as these residues differ in polarity, charge, size and/or other properties. This substitution occurs at a position where only amino acids with similar properties to Isoleucine are tolerated across species, and in silico analysis predicts this variant is probably damaging to the protein structure/function. Furthermore, multiple pathogenic missense variants in nearby residues (E261D, L266P, G269S, G269D, L273F, I274V) have been reported in the Human Gene Mutation Database in association with LQTS (Stenson et al., 2014), further supporting the functional importance of this region of the protein. However, this variant lacks observation in a significant number of affected individuals, segregation data, and functional evidence, which would further clarify its pathogenicity.

Cardiovascular Biomedical Research Unit, Royal Brompton & Harefield NHS Foundation Trust
No classification provided. Condition: Familial long QT syndrome. Review status: no classification provided. Collection method: literature only. Allele origin: germline. Not counted in ClinVar's aggregate classification.
Comment: This variant has been reported as associated with Long QT syndrome in the following publications (PMID:19716085). This is a literature report, and does not necessarily reflect the clinical interpretation of the Imperial College / Royal Brompton Cardiovascular Genetics laboratory.

Literature cited by the submitters: PubMed 19716085 (cited by 3 submitters); PubMed 22581653 (cited by Cardiovascular Biomedical Research Unit, Royal Brompton & Harefield NHS Foundation Trust).

NM_000218.3(KCNQ1):c.803T>G (p.Ile268Ser)

Gene: KCNQ1 (potassium voltage-gated channel subfamily Q member 1; plus strand). Cytogenetic location: 11p15.5.
Variant type: single nucleotide variant.
Coding change: c.803T>G on transcript NM_000218.3 (MANE Select); coding-DNA position 803, T replaced by G.
Protein change: p.Ile268Ser; replaces isoleucine 268 with serine.
Molecular consequence: missense variant.
Genome position (GRCh38, 1-based): chr11:2,572,868, T>G. VCF-style: chr11-2572868-T-G. GRCh37 (hg19) VCF-style: chr11-2594098-T-G.
Other names: p.I268S:ATC>AGC; c.803T>G (LRG_287t1); c.803T>G, p.Ile268Ser (NM_001406836.1); c.533T>G, p.Ile178Ser (NM_001406837.1); c.422T>G, p.Ile141Ser (NM_181798.2); short protein forms I268S, I141S, I178S.
Identifiers: ClinVar variation 67107 (VCV000067107.11), dbSNP rs199472725, ClinGen allele CA008270.
Genomic context (GRCh38, chr11:2,572,868, plus strand): 5'-GGTTCCTGGAGCCCGACACTGTGTGTTTTCTGGCCTAGGAGCTGATAACCACCCTGTACA[T>G]CGGCTTCCTGGGCCTCATCTTCTCCTCGTACTTTGTGTACCTGGCTGAGAAGGACGCGGT-3'
Protein context (NP_000209.2, residues 258-278): HRQELITTLY[Ile268Ser]GFLGLIFSSY